The following is an entry in ClinVar:

NM_138694.4(PKHD1):c.8686del (p.Lys2895_Ile2896insTer)

Gene: PKHD1 (PKHD1 ciliary IPT domain containing fibrocystin/polyductin; minus strand). Cytogenetic location: 6p12.3.
Variant type: Deletion.
Coding change: c.8686del on transcript NM_138694.4 (MANE Select); coding-DNA position 8686, one base deleted (A; older notation c.8686delA).
Protein change: p.Lys2895_Ile2896insTer.
Molecular consequence: nonsense.
Genome position (GRCh38, 1-based): chr6:51,754,895, T deleted on the plus strand (A on the coding strand, the reverse complement: PKHD1 is on the minus strand); the first of 4 consecutive T bases (chr6:51,754,895-51,754,898); deleting any one gives the same sequence. VCF-style (leftmost placement, unchanged base first): chr6-51754894-AT-A. GRCh37 (hg19) VCF-style: chr6-51619692-AT-A.
Other names: c.8686del, p.Lys2895_Ile2896insTer (NM_170724.3).
Identifiers: ClinVar variation 4060166 (VCV004060166.2).

ClinVar aggregate classification (germline): Likely pathogenic (1 of 4 stars; one submission).

Conditions:
Autosomal recessive polycystic kidney disease (ARPKD). Also called: AR polycystic kidney disease. Identifiers: Orphanet 731, Orphanet 8378, MedGen C0085548, MeSH D017044, MONDO:0009889.

Submission:

Natera, Inc.
Classification: Likely pathogenic for Autosomal recessive polycystic kidney disease. Last evaluated: 2025-03-05. Review status: criteria provided, single submitter. Criteria: Natera Variant Classification Schema (03/2026). Collection method: clinical testing. Allele origin: germline.
Comment: The c.8686del variant in PKHD1 is a frameshift variant predicted to shift the reading frame and introduce a stop codon. This variant is expected to result in nonsense mediated decay, truncation, or a dysfunctional protein product. This variant is rare in the general population with a frequency below the threshold expected for the associated phenotype(s). Given the available evidence, this variant is classified as Likely Pathogenic.